The following is an entry in ClinVar:

NM_001365999.1(SZT2):c.6793-3C>T

Gene: SZT2 (SZT2 subunit of KICSTOR complex; plus strand). Cytogenetic location: 1p34.2.
Variant type: single nucleotide variant.
Coding change: c.6793-3C>T on transcript NM_001365999.1 (MANE Select); 3 bases into the intron before coding-DNA position 6793, C replaced by T.
Molecular consequence: intron variant.
Genome position (GRCh38, 1-based): chr1:43,439,355, C>T. VCF-style: chr1-43439355-C-T. GRCh37 (hg19) VCF-style: chr1-43905026-C-T.
Other names: c.6622-3C>T (NM_015284.4).
Identifiers: ClinVar variation 937764 (VCV000937764.9), dbSNP rs774981111, ClinGen allele CA810025.

ClinVar aggregate classification (germline): Uncertain significance (1 of 4 stars; one submission).

Allele frequency attached by ClinVar (database versions not stated): ExAC 0.00001; gnomAD exomes 0.00001.
gnomAD v4.1: 3 of 1,614,052 alleles (0.00019%); highest among the groups gnomAD compares: Admixed American, 0.005%; no homozygotes.

Submission:

Labcorp Genetics (formerly Invitae), Labcorp
Classification: Uncertain significance. Last evaluated: 2022-10-03. Review status: criteria provided, single submitter. Criteria: Invitae Variant Classification Sherloc (09022015). Collection method: clinical testing. Allele origin: germline.
Comment: In summary, the available evidence is currently insufficient to determine the role of this variant in disease. Therefore, it has been classified as a Variant of Uncertain Significance. Variants that disrupt the consensus splice site are a relatively common cause of aberrant splicing (PMID: 17576681, 9536098). Algorithms developed to predict the effect of sequence changes on RNA splicing suggest that this variant is not likely to affect RNA splicing. ClinVar contains an entry for this variant (Variation ID: 937764). This variant has not been reported in the literature in individuals affected with SZT2-related conditions. This variant is present in population databases (rs774981111, gnomAD 0.006%). This sequence change falls in intron 47 of the SZT2 gene. It does not directly change the encoded amino acid sequence of the SZT2 protein. It affects a nucleotide within the consensus splice site.

Literature cited by the submitters: PubMed 17576681; PubMed 9536098.